The following is an entry in ClinVar:

ClinVar aggregate classification (germline): Uncertain significance (1 of 4 stars; one submission).

Conditions:
Hereditary cancer-predisposing syndrome. Also called: Hereditary neoplastic syndrome; Neoplastic Syndromes, Hereditary; Tumor predisposition; Hereditary Cancer Syndrome. Identifiers: Orphanet 140162, MedGen C0027672, MeSH D009386, MONDO:0015356.

gnomAD v4.1: 1 of 1,614,124 alleles (0.000062%); highest among the groups gnomAD compares: Non-Finnish European, 0.000085%; no homozygotes.

Submission:

Ambry Genetics
Classification: Uncertain significance for Hereditary cancer-predisposing syndrome. Last evaluated: 2024-12-12. Review status: criteria provided, single submitter. Criteria: Ambry Variant Classification Scheme 2023. Collection method: clinical testing. Allele origin: germline.
Comment: The p.P1129L variant (also known as c.3386C>T), located in coding exon 20 of the DICER1 gene, results from a C to T substitution at nucleotide position 3386. The proline at codon 1129 is replaced by leucine, an amino acid with similar properties. This amino acid position is well conserved in available vertebrate species. In addition, the in silico prediction for this alteration is inconclusive. Based on the available evidence, the clinical significance of this variant remains unclear.

NM_177438.3(DICER1):c.3386C>T (p.Pro1129Leu)

Gene: DICER1 (dicer 1, ribonuclease III; minus strand). Cytogenetic location: 14q32.13.
Variant type: single nucleotide variant.
Coding change: c.3386C>T on transcript NM_177438.3 (MANE Select); coding-DNA position 3386, C replaced by T.
Protein change: p.Pro1129Leu; replaces proline 1129 with leucine.
Molecular consequence: missense variant. On other transcripts: non-coding transcript variant (6).
Genome position (GRCh38, 1-based): chr14:95,104,010, G>A on the plus strand (C>T on the coding strand, the complement: DICER1 is on the minus strand). VCF-style: chr14-95104010-G-A. GRCh37 (hg19) VCF-style: chr14-95570347-G-A.
Other names: c.3386C>T, p.Pro1129Leu (NM_001195573.1, NM_001271282.3, NM_001291628.2 and 12 more transcripts); c.3104C>T, p.Pro1035Leu (NM_001395686.1); c.2981C>T, p.Pro994Leu (NM_001395687.1, NM_001395688.1, NM_001395689.1 and 2 more transcripts); c.2819C>T, p.Pro940Leu (NM_001395691.1); c.1703C>T, p.Pro568Leu (NM_001395697.1); short protein forms P940L, P994L, P1035L, P1129L, P568L.
Identifiers: ClinVar variation 3839977 (VCV003839977.1).